The following is an entry in ClinVar:

ClinVar aggregate classification (germline): Likely benign (1 of 4 stars; one submission).

Allele frequency attached by ClinVar (database versions not stated): TOPMed 0.00010; 1000 Genomes Project 0.00080; 1000 Genomes Project 30x 0.00094.
gnomAD v4.1: 17 of 152,246 alleles (0.011%); highest among the groups gnomAD compares: South Asian, 0.15%; no homozygotes.

Submission:

CeGaT Center for Human Genetics Tuebingen
Classification: Likely benign. Last evaluated: 2026-03-01. Review status: criteria provided, single submitter. Criteria: CeGaT Center For Human Genetics Tuebingen Variant Classification Criteria Version 2. Collection method: clinical testing. Allele origin: germline. Affected: yes. Observed: 4 variant alleles.
Comment: BRAF: BS1

NM_004333.6(BRAF):c.980+2726G>T

Gene: BRAF (B-Raf proto-oncogene, serine/threonine kinase; minus strand). Cytogenetic location: 7q34.
Variant type: single nucleotide variant.
Coding change: c.980+2726G>T on transcript NM_004333.6 (MANE Select); 2726 bases into the intron after coding-DNA position 980, G replaced by T.
Molecular consequence: intron variant.
Genome position (GRCh38, 1-based): chr7:140,797,636, C>A on the plus strand (G>T on the coding strand, the complement: BRAF is on the minus strand). VCF-style: chr7-140797636-C-A. GRCh37 (hg19) VCF-style: chr7-140497436-C-A.
Other names: c.980+2726G>T (NM_001378474.1, NM_001378471.1, NM_001378468.1 and 4 more transcripts); c.878+2726G>T (NM_001378470.1); c.716+2726G>T (NM_001378475.1); c.989+2726G>T (NM_001378467.1); c.824+2726G>T (NM_001378472.1, NM_001378473.1).
Identifiers: ClinVar variation 2658080 (VCV002658080.24), dbSNP rs572123588, ClinGen allele CA168103389.